The following is an entry in ClinVar:

ClinVar aggregate classification (germline): Conflicting classifications of pathogenicity. Review status: criteria provided, conflicting classifications (1 of 4 stars). 5 submissions from 5 submitters: Likely pathogenic (3); Uncertain significance (2). Last evaluated 2025-09-17.

Conditions:
Familial hypokalemia-hypomagnesemia (GTLMNS). Also called: HYPOMAGNESEMIA-HYPOKALEMIA, PRIMARY RENOTUBULAR, WITH HYPOCALCIURIA; POTASSIUM AND MAGNESIUM DEPLETION; gitelman syndrome. Identifiers: Orphanet 358, MedGen C0268450, MONDO:0009904, OMIM 263800.

gnomAD v4.1: 118 of 1,613,528 alleles (0.0073%); highest among the groups gnomAD compares: Middle Eastern, 0.26%; no homozygotes.

Submissions (5):

First Genomix Gene Laboratory, Genetic Diagnostics Department
Classification: Likely pathogenic for Familial hypokalemia-hypomagnesemia. Last evaluated: 2025-09-17. Review status: criteria provided, single submitter. Criteria: ACMG Guidelines, 2015. Collection method: clinical testing. Allele origin: germline. Inheritance: Autosomal recessive inheritance. Affected: no. Observed: 1 variant allele.

3billion
Classification: Uncertain significance for Familial hypokalemia-hypomagnesemia. Last evaluated: 2025-02-07. Review status: criteria provided, single submitter. Criteria: ACMG Guidelines, 2015. Collection method: clinical testing. Allele origin: germline. Affected: yes.
Comment: The variant is observed at an extremely low frequency in the gnomAD v4.1.0 dataset (total allele frequency: 0.007%). Predicted Consequence/Location: Missense variant In silico tool predictions suggest damaging effect of the variant on gene or gene product [REVEL: 0.88 (>=0.6, sensitivity 0.68 and specificity 0.92); 3Cnet: 0.96 (>=0.6, sensitivity 0.72 and precision 0.9)]. The same nucleotide change resulting in the same amino acid change has been previously reported to be associated with SLC12A3-related disorder (ClinVar ID: VCV003362450).A different missense change at the same codon (p.Ala469Asp) has been reported to be associated with SLC12A3-related disorder (ClinVar ID: VCV000635424). However the evidence of pathogenicity is insufficient at this time. Therefore, this variant is classified as VUS according to the recommendation of ACMG/AMP guideline.

Genomic Medicine Center of Excellence, King Faisal Specialist Hospital and Research Centre
Classification: Likely pathogenic for Familial hypokalemia-hypomagnesemia. Last evaluated: 2024-09-22. Review status: criteria provided, single submitter. Criteria: ACMG Guidelines, 2015. Collection method: clinical testing. Allele origin: germline.

Department of Pathology and Laboratory Medicine, Sinai Health System
Classification: Uncertain significance for Familial hypokalemia-hypomagnesemia. Last evaluated: 2023-01-20. Review status: criteria provided, single submitter. Criteria: ACMG Guidelines, 2015. Collection method: research. Allele origin: germline.

Kariminejad - Najmabadi Pathology & Genetics Center
Classification: Likely pathogenic for Familial hypokalemia-hypomagnesemia. Review status: criteria provided, single submitter. Criteria: ACMG Guidelines, 2015. Collection method: clinical testing. Allele origin: germline. Affected: no.

NM_001126108.2(SLC12A3):c.1406C>T (p.Ala469Val)

Gene: SLC12A3 (solute carrier family 12 member 3; plus strand). Cytogenetic location: 16q13.
Variant type: single nucleotide variant.
Coding change: c.1406C>T on transcript NM_001126108.2 (MANE Select); coding-DNA position 1406, C replaced by T.
Protein change: p.Ala469Val; replaces alanine 469 with valine.
Molecular consequence: missense variant.
Genome position (GRCh38, 1-based): chr16:56,879,612, C>T. VCF-style: chr16-56879612-C-T. GRCh37 (hg19) VCF-style: chr16-56913524-C-T.
Other names: c.1406C>T, p.Ala469Val (NM_000339.3); c.1403C>T, p.Ala468Val (NM_001126107.2, NM_001410896.1); short protein forms A468V, A469V.
Identifiers: ClinVar variation 3362450 (VCV003362450.4).